The following is an entry in ClinVar:

ClinVar aggregate classification (germline): Uncertain significance (1 of 4 stars; one submission).

Allele frequency attached by ClinVar (database versions not stated): TOPMed below 0.00001; gnomAD 0.00001 and 0.00002; gnomAD exomes 0.00001 and 0.00003; ExAC 0.00003; 1000 Genomes Project 30x 0.00016; 1000 Genomes Project 0.00020.
gnomAD v4.1: 18 of 1,613,740 alleles (0.0011%); highest among the groups gnomAD compares: Middle Eastern, 0.016%; no homozygotes.

Submission:

Labcorp Genetics (formerly Invitae), Labcorp
Classification: Uncertain significance. Last evaluated: 2021-11-27. Review status: criteria provided, single submitter. Criteria: Invitae Variant Classification Sherloc (09022015). Collection method: clinical testing. Allele origin: germline.
Comment: In summary, the available evidence is currently insufficient to determine the role of this variant in disease. Therefore, it has been classified as a Variant of Uncertain Significance. Algorithms developed to predict the effect of missense changes on protein structure and function are either unavailable or do not agree on the potential impact of this missense change (SIFT: "Deleterious"; PolyPhen-2: "Benign"; Align-GVGD: "Class C0"). This variant has not been reported in the literature in individuals affected with SPEG-related conditions. This variant is present in population databases (rs566879977, gnomAD 0.02%). This sequence change replaces serine, which is neutral and polar, with isoleucine, which is neutral and non-polar, at codon 1308 of the SPEG protein (p.Ser1308Ile).

NM_005876.5(SPEG):c.3923G>T (p.Ser1308Ile)

Gene: SPEG (striated muscle enriched protein kinase; plus strand). Cytogenetic location: 2q35.
Variant type: single nucleotide variant.
Coding change: c.3923G>T on transcript NM_005876.5 (MANE Select); coding-DNA position 3923, G replaced by T.
Protein change: p.Ser1308Ile; replaces serine 1308 with isoleucine.
Molecular consequence: missense variant.
Genome position (GRCh38, 1-based): chr2:219,472,314, G>T. VCF-style: chr2-219472314-G-T. GRCh37 (hg19) VCF-style: chr2-220337036-G-T.
Other names: short protein forms S1308I.
Identifiers: ClinVar variation 1439877 (VCV001439877.6), dbSNP rs566879977, ClinGen allele CA2126338.